The following is an entry in ClinVar:

NM_001364905.1(LRBA):c.2824A>G (p.Lys942Glu)

Gene: LRBA (LPS responsive beige-like anchor protein; minus strand). Cytogenetic location: 4q31.3.
Variant type: single nucleotide variant.
Coding change: c.2824A>G on transcript NM_001364905.1 (MANE Select); coding-DNA position 2824, A replaced by G.
Protein change: p.Lys942Glu; replaces lysine 942 with glutamic acid.
Molecular consequence: missense variant.
Genome position (GRCh38, 1-based): chr4:150,852,886, T>C on the plus strand (A>G on the coding strand, the complement: LRBA is on the minus strand). VCF-style: chr4-150852886-T-C. GRCh37 (hg19) VCF-style: chr4-151774038-T-C.
Other names: c.2824A>G, p.Lys942Glu (NM_001199282.3, NM_001367550.1, NM_006726.5); short protein forms K942E.
Identifiers: ClinVar variation 2197403 (VCV002197403.3), dbSNP rs1219173607, ClinGen allele CA358460463.

ClinVar aggregate classification (germline): Uncertain significance. Review status: criteria provided, multiple submitters, no conflicts (2 of 4 stars). 2 submissions from 2 submitters: Uncertain significance (2). Last evaluated 2025-11-12.

Conditions:
Combined immunodeficiency due to LRBA deficiency. Also called: Common variable immunodeficiency 8, with autoimmunity. Identifiers: Orphanet 445018, MedGen C3553512, MONDO:0013863, OMIM 614700.
Inborn genetic diseases. Identifiers: MedGen C0950123, MeSH D030342.

Allele frequency attached by ClinVar (database versions not stated): TOPMed 0.00001; gnomAD 0.00001.
gnomAD v4.1: 1 of 1,607,728 alleles (0.000062%); highest among the groups gnomAD compares: Non-Finnish European, 0.000085%; no homozygotes.

Submissions (2):

Ambry Genetics
Classification: Uncertain significance for Inborn genetic diseases. Last evaluated: 2025-11-12. Review status: criteria provided, single submitter. Criteria: Ambry Variant Classification Scheme 2023. Collection method: clinical testing. Allele origin: germline.

Labcorp Genetics (formerly Invitae), Labcorp
Classification: Uncertain significance for Combined immunodeficiency due to LRBA deficiency. Last evaluated: 2022-02-05. Review status: criteria provided, single submitter. Criteria: Invitae Variant Classification Sherloc (09022015). Collection method: clinical testing. Allele origin: germline.
Comment: In summary, the available evidence is currently insufficient to determine the role of this variant in disease. Therefore, it has been classified as a Variant of Uncertain Significance. Algorithms developed to predict the effect of missense changes on protein structure and function (SIFT, PolyPhen-2, Align-GVGD) all suggest that this variant is likely to be tolerated. This variant has not been reported in the literature in individuals affected with LRBA-related conditions. This variant is not present in population databases (gnomAD no frequency). This sequence change replaces lysine, which is basic and polar, with glutamic acid, which is acidic and polar, at codon 942 of the LRBA protein (p.Lys942Glu).